The following is an entry in ClinVar:

NM_001447.3(FAT2):c.9704C>T (p.Thr3235Met)

Genes: FAT2 (FAT atypical cadherin 2; minus strand), SLC36A1 (solute carrier family 36 member 1; plus strand). Cytogenetic location: 5q33.1.
Variant type: single nucleotide variant.
Coding change: c.9704C>T on transcript NM_001447.3 (MANE Select); coding-DNA position 9704, C replaced by T.
Protein change: p.Thr3235Met; replaces threonine 3235 with methionine.
Molecular consequence: missense variant.
Genome position (GRCh38, 1-based): chr5:151,531,694, G>A on the plus strand (C>T on the coding strand, the complement: FAT2 is on the minus strand). VCF-style: chr5-151531694-G-A. GRCh37 (hg19) VCF-style: chr5-150911255-G-A.
Other names: short protein forms T3235M.
Identifiers: ClinVar variation 3000690 (VCV003000690.3), dbSNP rs763391750, ClinGen allele CA3520482.

ClinVar aggregate classification (germline): Uncertain significance (1 of 4 stars; one submission).

Allele frequency attached by ClinVar (database versions not stated): gnomAD exomes below 0.00001; TOPMed below 0.00001; ExAC 0.00001.
gnomAD v4.1: 2 of 1,613,860 alleles (0.00012%); highest among the groups gnomAD compares: Non-Finnish European, 0.00017%; no homozygotes.

Submission:

Labcorp Genetics (formerly Invitae), Labcorp
Classification: Uncertain significance. Last evaluated: 2025-12-02. Review status: criteria provided, single submitter. Criteria: Invitae Variant Classification Sherloc (09022015). Collection method: clinical testing. Allele origin: germline.
Comment: This sequence change replaces threonine, which is neutral and polar, with methionine, which is neutral and non-polar, at codon 3235 of the FAT2 protein (p.Thr3235Met). This variant is present in population databases (rs763391750, gnomAD 0.0009%). This variant has not been reported in the literature in individuals affected with FAT2-related conditions. ClinVar contains an entry for this variant (Variation ID: 3000690). Invitae Evidence Modeling of protein sequence and biophysical properties (such as structural, functional, and spatial information, amino acid conservation, physicochemical variation, residue mobility, and thermodynamic stability) indicates that this missense variant is expected to disrupt FAT2 protein function with a positive predictive value of 80%. In summary, the available evidence is currently insufficient to determine the role of this variant in disease. Therefore, it has been classified as a Variant of Uncertain Significance.